The following is an entry in ClinVar:

ClinVar aggregate classification (germline): Uncertain significance (1 of 4 stars; one submission).

Conditions:
Inborn genetic diseases. Identifiers: MedGen C0950123, MeSH D030342.

Submission:

Ambry Genetics
Classification: Uncertain significance for Inborn genetic diseases. Last evaluated: 2025-08-22. Review status: criteria provided, single submitter. Criteria: Ambry Variant Classification Scheme 2023. Collection method: clinical testing. Allele origin: germline.
Comment: The p.P39R variant (also known as c.116C>G), located in coding exon 2 of the BMPR2 gene, results from a C to G substitution at nucleotide position 116. The proline at codon 39 is replaced by arginine, an amino acid with dissimilar properties. This amino acid position is conserved. In addition, this alteration is predicted to be deleterious by in silico analysis. Based on the available evidence, the clinical significance of this variant remains unclear.

NM_001204.7(BMPR2):c.116C>G (p.Pro39Arg)

Gene: BMPR2 (bone morphogenetic protein receptor type 2; plus strand). Cytogenetic location: 2q33.1.
Variant type: single nucleotide variant.
Coding change: c.116C>G on transcript NM_001204.7 (MANE Select); coding-DNA position 116, C replaced by G.
Protein change: p.Pro39Arg; replaces proline 39 with arginine.
Molecular consequence: missense variant.
Genome position (GRCh38, 1-based): chr2:202,464,848, C>G. VCF-style: chr2-202464848-C-G. GRCh37 (hg19) VCF-style: chr2-203329571-C-G.
Other names: short protein forms P39R.
Identifiers: ClinVar variation 4214524 (VCV004214524.1).
Genomic context (GRCh38, chr2:202,464,848, plus strand): 5'-CCTTTATTTCCTTTATTTTAGCTTCGCAGAATCAAGAACGGCTATGTGCGTTTAAAGATC[C>G]GTATCAGCAAGACCTTGGGATAGGTGAGAGTAGAATCTCTCATGAAAATGGGACAATATT-3'
Protein context (NP_001195.2, residues 29-49): NQERLCAFKD[Pro39Arg]YQQDLGIGES